The following is an entry in ClinVar:

NM_004995.4(MMP14):c.538T>G (p.Phe180Val)

Gene: MMP14 (matrix metallopeptidase 14; plus strand). Cytogenetic location: 14q11.2.
Variant type: single nucleotide variant.
Coding change: c.538T>G on transcript NM_004995.4 (MANE Select); coding-DNA position 538, T replaced by G.
Protein change: p.Phe180Val; replaces phenylalanine 180 with valine.
Molecular consequence: missense variant.
Genome position (GRCh38, 1-based): chr14:22,842,567, T>G. VCF-style: chr14-22842567-T-G. GRCh37 (hg19) VCF-style: chr14-23311776-T-G.
Other names: short protein forms F180V.
Identifiers: ClinVar variation 4740722 (VCV004740722.1).

ClinVar aggregate classification (germline): Uncertain significance (1 of 4 stars; one submission).

Submission:

Labcorp Genetics (formerly Invitae), Labcorp
Classification: Uncertain significance. Last evaluated: 2025-05-22. Review status: criteria provided, single submitter. Criteria: Invitae Variant Classification Sherloc (09022015). Collection method: clinical testing. Allele origin: germline.
Comment: This sequence change replaces phenylalanine, which is neutral and non-polar, with valine, which is neutral and non-polar, at codon 180 of the MMP14 protein (p.Phe180Val). This variant is not present in population databases (gnomAD no frequency). This variant has not been reported in the literature in individuals affected with MMP14-related conditions. Invitae Evidence Modeling of protein sequence and biophysical properties (such as structural, functional, and spatial information, amino acid conservation, physicochemical variation, residue mobility, and thermodynamic stability) indicates that this missense variant is not expected to disrupt MMP14 protein function with a negative predictive value of 80%. In summary, the available evidence is currently insufficient to determine the role of this variant in disease. Therefore, it has been classified as a Variant of Uncertain Significance.